The following is an entry in ClinVar:

NM_005592.4(MUSK):c.2002C>T (p.Arg668Cys)

Gene: MUSK (muscle associated receptor tyrosine kinase; plus strand). Cytogenetic location: 9q31.3.
Variant type: single nucleotide variant.
Coding change: c.2002C>T on transcript NM_005592.4 (MANE Select); coding-DNA position 2002, C replaced by T.
Protein change: p.Arg668Cys; replaces arginine 668 with cysteine.
Molecular consequence: missense variant.
Genome position (GRCh38, 1-based): chr9:110,800,380, C>T. VCF-style: chr9-110800380-C-T. GRCh37 (hg19) VCF-style: chr9-113562660-C-T.
Other names: c.1744C>T, p.Arg582Cys (NM_001166280.2); c.1714C>T, p.Arg572Cys (NM_001166281.2); c.742C>T, p.Arg248Cys (NM_001369398.1); short protein forms R668C, R248C, R582C, R572C.
Identifiers: ClinVar variation 476139 (VCV000476139.8), dbSNP rs754730206, ClinGen allele CA5184550.

ClinVar aggregate classification (germline): Uncertain significance. Review status: criteria provided, multiple submitters, no conflicts (2 of 4 stars). 2 submissions from 2 submitters: Uncertain significance (2). Last evaluated 2023-11-29.

Conditions:
Inborn genetic diseases. Identifiers: MedGen C0950123, MeSH D030342.
Congenital myasthenic syndrome 9. Also called: Myasthenic syndrome, congenital, 9, associated with acetylcholine receptor deficiency. Identifiers: Orphanet 590, MedGen C4225368, MONDO:0014587, OMIM 616325.
Fetal akinesia deformation sequence 1 (FADS1). Also called: Pena-Shokeir syndrome type I; Fetal akinesia sequence. Identifiers: Orphanet 994, MedGen C1276035, MONDO:0100101, OMIM 208150, HP:0001989.

Allele frequency attached by ClinVar (database versions not stated): ExAC 0.00001; gnomAD 0.00001; gnomAD exomes 0.00001 and 0.00002; TOPMed 0.00002.
gnomAD v4.1: 31 of 1,613,692 alleles (0.0019%); highest among the groups gnomAD compares: Admixed American, 0.038%; no homozygotes.

Submissions (2):

Ambry Genetics
Classification: Uncertain significance for Inborn genetic diseases. Last evaluated: 2023-11-29. Review status: criteria provided, single submitter. Criteria: Ambry Variant Classification Scheme 2023. Collection method: clinical testing. Allele origin: germline.

Labcorp Genetics (formerly Invitae), Labcorp
Classification: Uncertain significance for Congenital myasthenic syndrome 9; Fetal akinesia deformation sequence 1. Last evaluated: 2022-10-25. Review status: criteria provided, single submitter. Criteria: Invitae Variant Classification Sherloc (09022015). Collection method: clinical testing. Allele origin: germline.
Comment: This sequence change replaces arginine, which is basic and polar, with cysteine, which is neutral and slightly polar, at codon 668 of the MUSK protein (p.Arg668Cys). This variant is present in population databases (rs754730206, gnomAD 0.003%). This variant has not been reported in the literature in individuals affected with MUSK-related conditions. ClinVar contains an entry for this variant (Variation ID: 476139). Advanced modeling of protein sequence and biophysical properties (such as structural, functional, and spatial information, amino acid conservation, physicochemical variation, residue mobility, and thermodynamic stability) performed at Invitae indicates that this missense variant is expected to disrupt MUSK protein function. In summary, the available evidence is currently insufficient to determine the role of this variant in disease. Therefore, it has been classified as a Variant of Uncertain Significance.